The following is an entry in ClinVar:

NM_001368894.2(PAX6):c.55C>T (p.Arg19Trp)

Gene: PAX6 (paired box 6; minus strand). Cytogenetic location: 11p13.
Variant type: single nucleotide variant.
Coding change: c.55C>T on transcript NM_001368894.2 (MANE Select); coding-DNA position 55, C replaced by T.
Protein change: p.Arg19Trp; replaces arginine 19 with tryptophan.
Molecular consequence: missense variant. On other transcripts: 5 prime UTR variant (12), non-coding transcript variant (2), intron variant (2).
Genome position (GRCh38, 1-based): chr11:31,802,790, G>A on the plus strand (C>T on the coding strand, the complement: PAX6 is on the minus strand). VCF-style: chr11-31802790-G-A. GRCh37 (hg19) VCF-style: chr11-31824338-G-A.
Other names: c.55C>T, p.Arg19Trp (NM_000280.6, NM_001127612.3, NM_001258462.3 and 30 more transcripts); c.-727C>T (NM_001310160.2, NM_001368905.2); c.-396C>T (NM_001310161.3, NM_001368900.2, NM_001368903.2 and 2 more transcripts); c.-354C>T (NM_001368899.2, NM_001368901.2, NM_001368906.2 and 1 more transcripts); c.-685C>T (NM_001368902.2); c.298C>T, p.Arg100Trp (NM_001368910.2); c.58C>T, p.Arg20Trp (NM_001368911.2); c.-267-1014C>T (NM_001368909.2, NM_001368904.2); short protein forms R100W, R19W, R20W.
Identifiers: ClinVar variation 1311453 (VCV001311453.4), dbSNP rs1263617876, ClinGen allele CA379959639.

ClinVar aggregate classification (germline): Uncertain significance. Review status: criteria provided, multiple submitters, no conflicts (2 of 4 stars). 2 submissions from 2 submitters: Uncertain significance (2). Last evaluated 2025-08-15.

Conditions:
Aniridia 1 (AN1). Identifiers: Orphanet 250923, MedGen C0344542, MONDO:0024507, OMIM 106210.
Irido-corneo-trabecular dysgenesis (ASGD5). Also called: ANTERIOR SEGMENT DYSGENESIS 5. Identifiers: Orphanet 708, MedGen C0344559, MONDO:0011414, OMIM 604229, HP:0000659.

Submissions (2):

Labcorp Genetics (formerly Invitae), Labcorp
Classification: Uncertain significance for Aniridia 1; Irido-corneo-trabecular dysgenesis. Last evaluated: 2025-08-15. Review status: criteria provided, single submitter. Criteria: Invitae Variant Classification Sherloc (09022015). Collection method: clinical testing. Allele origin: germline.
Comment: This sequence change replaces arginine, which is basic and polar, with tryptophan, which is neutral and slightly polar, at codon 19 of the PAX6 protein (p.Arg19Trp). This variant is not present in population databases (gnomAD no frequency). This variant has not been reported in the literature in individuals affected with PAX6-related conditions. ClinVar contains an entry for this variant (Variation ID: 1311453). Invitae Evidence Modeling of protein sequence and biophysical properties (such as structural, functional, and spatial information, amino acid conservation, physicochemical variation, residue mobility, and thermodynamic stability) indicates that this missense variant is expected to disrupt PAX6 protein function with a positive predictive value of 80%. In summary, the available evidence is currently insufficient to determine the role of this variant in disease. Therefore, it has been classified as a Variant of Uncertain Significance.

GeneDx
Classification: Uncertain significance. Last evaluated: 2020-01-10. Review status: criteria provided, single submitter. Criteria: GeneDx Variant Classification Process June 2021. Collection method: clinical testing. Allele origin: germline. Affected: yes.
Comment: Not observed in large population cohorts (Lek et al., 2016); In silico analysis, which includes protein predictors and evolutionary conservation, supports a deleterious effect; A different missense change at this residue (R19P) has been reported in association with microphthalmia and sclerocornea (Vincent et al., 2003; Chassaing et al., 2014); Identified in a patient with congenial cataract in published literature (Gillespie et al., 2014); additional phenotypic details and familial segregation information not provided